The following is an entry in ClinVar:

NM_007254.4(PNKP):c.744+3dup

Gene: PNKP (polynucleotide kinase 3'-phosphatase; minus strand). Cytogenetic location: 19q13.33.
Variant type: Duplication.
Coding change: c.744+3dup on transcript NM_007254.4 (MANE Select); 3 bases into the intron after coding-DNA position 744, one base duplicated (A; older notation c.744+3dupA).
Molecular consequence: intron variant.
Genome position (GRCh38, 1-based): chr19:49,863,961, T duplicated on the plus strand (A on the coding strand, the reverse complement: PNKP is on the minus strand). VCF-style (leftmost placement, unchanged base first): chr19-49863960-A-AT. GRCh37 (hg19) VCF-style: chr19-50367217-A-AT.
Identifiers: ClinVar variation 432876 (VCV000432876.1), dbSNP rs1555811411, ClinGen allele CA645372651.

ClinVar aggregate classification (germline): Uncertain significance (1 of 4 stars; one submission).

Allele frequency attached by ClinVar (database versions not stated): gnomAD exomes below 0.00001; gnomAD 0.00001; TOPMed 0.00001.

Submission:

GeneDx
Classification: Uncertain significance. Last evaluated: 2017-06-16. Review status: criteria provided, single submitter. Criteria: GeneDx Variant Classification (06012015). Collection method: clinical testing. Allele origin: germline. Affected: yes.
Comment: A variant of uncertain significance has been identified in the PNKP gene. The c.744+3dupA variant has not been published as a pathogenic variant, nor has it been reported as a benign variant to our knowledge. The c.744+3dupA variant is not observed in large population cohorts (Lek et al., 2016; 1000 Genomes Consortium et al., 2015; Exome Variant Server). Several in-silico splice prediction models predict that c.744+3dupA does not impact gene splicing, and this substitution occurs at a position that is not conserved. However, in the absence of RNA/functional studies, the actual effect of this sequence change in this individual is unknown. Therefore, based on the currently available information, it is unclear whether this variant is a pathogenic variant or a rare benign variant.